The following is an entry in ClinVar:

NM_000038.6(APC):c.3445G>C (p.Glu1149Gln)

Gene: APC (APC regulator of Wnt signaling pathway; plus strand). Cytogenetic location: 5q22.2.
Variant type: single nucleotide variant.
Coding change: c.3445G>C on transcript NM_000038.6 (MANE Select); coding-DNA position 3445, G replaced by C.
Protein change: p.Glu1149Gln; replaces glutamic acid 1149 with glutamine.
Molecular consequence: missense variant.
Genome position (GRCh38, 1-based): chr5:112,839,039, G>C. VCF-style: chr5-112839039-G-C. GRCh37 (hg19) VCF-style: chr5-112174736-G-C.
Other names: c.3445G>C, p.Glu1149Gln (NM_001127510.3, NM_001354895.2); c.3391G>C, p.Glu1131Gln (NM_001127511.3); c.3499G>C, p.Glu1167Gln (NM_001354896.2); c.3475G>C, p.Glu1159Gln (NM_001354897.2); c.3370G>C, p.Glu1124Gln (NM_001354898.2); c.3361G>C, p.Glu1121Gln (NM_001354899.2); c.3322G>C, p.Glu1108Gln (NM_001354900.2); c.3268G>C, p.Glu1090Gln (NM_001354901.2); and 5 more; short protein forms E1131Q, E1149Q, E1108Q, E1124Q, E989Q, E1023Q, E1167Q, E1048Q.
Identifiers: ClinVar variation 489438 (VCV000489438.6), dbSNP rs371117193, ClinGen allele CA16028884.

ClinVar aggregate classification (germline): Uncertain significance (1 of 4 stars; one submission).

Conditions:
Hereditary cancer-predisposing syndrome. Also called: Hereditary Cancer Syndrome; Neoplastic Syndromes, Hereditary; Tumor predisposition; Hereditary neoplastic syndrome. Identifiers: Orphanet 140162, MedGen C0027672, MeSH D009386, MONDO:0015356.

Submission:

Color Diagnostics, LLC DBA Color Health
Classification: Uncertain significance for Hereditary cancer-predisposing syndrome. Last evaluated: 2023-12-05. Review status: criteria provided, single submitter. Criteria: ACMG Guidelines, 2015. Collection method: clinical testing. Allele origin: germline.
Comment: This missense variant replaces glutamic acid with glutamine at codon 1149 of the APC protein. Computational prediction is inconclusive regarding the impact of this variant on protein structure and function (internally defined REVEL score threshold 0.5 < inconclusive < 0.7, PMID: 27666373). To our knowledge, functional studies have not been reported for this variant. This variant has not been reported in individuals affected with APC-related disorders in the literature. This variant has not been identified in the general population by the Genome Aggregation Database (gnomAD). The available evidence is insufficient to determine the role of this variant in disease conclusively. Therefore, this variant is classified as a Variant of Uncertain Significance.